The following is an entry in ClinVar:

ClinVar aggregate classification (germline): Pathogenic (1 of 4 stars; one submission).

Conditions:
Early-infantile DEE. Also called: Early infantile epileptic encephalopathy; Ohtahara syndrome; Early infantile epileptic encephalopathy with suppression bursts. Identifiers: Orphanet 1934, MedGen C0393706, MONDO:0800491.

Submission:

Labcorp Genetics (formerly Invitae), Labcorp
Classification: Pathogenic for Early-infantile DEE. Last evaluated: 2023-04-01. Review status: criteria provided, single submitter. Criteria: Invitae Variant Classification Sherloc (09022015). Collection method: clinical testing. Allele origin: germline.
Comment: For these reasons, this variant has been classified as Pathogenic. Advanced modeling of protein sequence and biophysical properties (such as structural, functional, and spatial information, amino acid conservation, physicochemical variation, residue mobility, and thermodynamic stability) performed at Invitae indicates that this missense variant is expected to disrupt SCN1A protein function. ClinVar contains an entry for this variant (Variation ID: 1452959). This missense change has been observed in individual(s) with SCN1A-related conditions (Invitae). In at least one individual the variant was observed to be de novo. This variant is not present in population databases (gnomAD no frequency). This sequence change replaces threonine, which is neutral and polar, with proline, which is neutral and non-polar, at codon 137 of the SCN1A protein (p.Thr137Pro).

NM_001165963.4(SCN1A):c.409A>C (p.Thr137Pro)

Gene: SCN1A (sodium voltage-gated channel alpha subunit 1; minus strand). Cytogenetic location: 2q24.3.
Variant type: single nucleotide variant.
Coding change: c.409A>C on transcript NM_001165963.4 (MANE Select); coding-DNA position 409, A replaced by C.
Protein change: p.Thr137Pro; replaces threonine 137 with proline.
Molecular consequence: missense variant. On other transcripts: 5 prime UTR variant (1), non-coding transcript variant (1).
Genome position (GRCh38, 1-based): chr2:166,056,475, T>G on the plus strand (A>C on the coding strand, the complement: SCN1A is on the minus strand). VCF-style: chr2-166056475-T-G. GRCh37 (hg19) VCF-style: chr2-166912985-T-G.
Other names: c.409A>C, p.Thr137Pro (NM_001165964.3, NM_001202435.3, NM_001353948.2 and 10 more transcripts); c.-2017A>C (NM_001353961.2); short protein forms T137P.
Identifiers: ClinVar variation 1452959 (VCV001452959.9), dbSNP rs2105909854, ClinGen allele CA349076077.